The following is an entry in ClinVar:

ClinVar aggregate classification (germline): Uncertain significance (1 of 4 stars; one submission).

Allele frequency attached by ClinVar (database versions not stated): gnomAD exomes below 0.00001.
gnomAD v4.1: 1 of 1,613,984 alleles (0.000062%); highest among the groups gnomAD compares: Non-Finnish European, 0.000085%; no homozygotes.

Submission:

Labcorp Genetics (formerly Invitae), Labcorp
Classification: Uncertain significance. Last evaluated: 2022-08-05. Review status: criteria provided, single submitter. Criteria: Invitae Variant Classification Sherloc (09022015). Collection method: clinical testing. Allele origin: germline.
Comment: In summary, the available evidence is currently insufficient to determine the role of this variant in disease. Therefore, it has been classified as a Variant of Uncertain Significance. Algorithms developed to predict the effect of missense changes on protein structure and function output the following: SIFT: "Tolerated"; PolyPhen-2: "Benign"; Align-GVGD: "Class C0". The serine amino acid residue is found in multiple mammalian species, which suggests that this missense change does not adversely affect protein function. This variant has not been reported in the literature in individuals affected with ERBIN-related conditions. This variant is not present in population databases (gnomAD no frequency). This sequence change replaces proline, which is neutral and non-polar, with serine, which is neutral and polar, at codon 961 of the ERBIN protein (p.Pro961Ser).

NM_001253697.2(ERBIN):c.2881C>T (p.Pro961Ser)

Gene: ERBIN (erbb2 interacting protein; plus strand). Cytogenetic location: 5q12.3.
Variant type: single nucleotide variant.
Coding change: c.2881C>T on transcript NM_001253697.2 (MANE Select); coding-DNA position 2881, C replaced by T.
Protein change: p.Pro961Ser; replaces proline 961 with serine.
Molecular consequence: missense variant.
Genome position (GRCh38, 1-based): chr5:66,054,199, C>T. VCF-style: chr5-66054199-C-T. GRCh37 (hg19) VCF-style: chr5-65350027-C-T.
Other names: c.2881C>T, p.Pro961Ser (NM_001006600.3, NM_001253698.2, NM_001253699.2 and 1 more transcripts); c.2869C>T, p.Pro957Ser (NM_001253701.2); short protein forms P957S, P961S.
Identifiers: ClinVar variation 2185044 (VCV002185044.4), dbSNP rs2546813604, ClinGen allele CA359868142.
Genomic context (GRCh38, chr5:66,054,199, plus strand): 5'-AAGGCAATTTTCAAGTTTGATTCAAATCATAATCCCGAAGAGCCAAATATAATAAGAGGC[C>T]CCACAAGTGGCCCACAATCTGCACCTCAAATATATGGTCCTCCACAGTATAATATCCAAT-3'
Protein context (NP_001240626.1, residues 951-971): NPEEPNIIRG[Pro961Ser]TSGPQSAPQI